The following is an entry in ClinVar:

ClinVar aggregate classification (germline): Likely benign (1 of 4 stars; one submission).

Conditions:
Familial colorectal cancer type X. Identifiers: Orphanet 440437, MedGen C3896578, MONDO:0018604.

gnomAD v4.1: 45 of 1,400,582 alleles (0.0032%); highest among the groups gnomAD compares: African/African-American, 0.047%; 2 homozygotes.

Submission:

Myriad Genetics, Inc.
Classification: Likely benign for Familial colorectal cancer type X. Last evaluated: 2026-08-03. Review status: criteria provided, single submitter. Criteria: Myriad Autosomal Dominant, Autosomal Recessive and X-Linked Classification Criteria (2023). Collection method: clinical testing. Allele origin: unknown.
Comment: This variant is considered likely benign. This variant is intronic and is not expected to impact mRNA splicing.

NM_001146227.3(RPS20):c.334-8A>G

Gene: RPS20 (ribosomal protein S20; minus strand). Cytogenetic location: 8q12.1.
Variant type: single nucleotide variant.
Coding change: c.334-8A>G on transcript NM_001146227.3; 8 bases into the intron before coding-DNA position 334, A replaced by G.
Molecular consequence: intron variant.
Genome position (GRCh38, 1-based): chr8:56,069,841, T>C on the plus strand (A>G on the coding strand, the complement: RPS20 is on the minus strand). VCF-style: chr8-56069841-T-C. GRCh37 (hg19) VCF-style: chr8-56982400-T-C.
Identifiers: ClinVar variation 5042129 (VCV005042129.1).